The following is an entry in ClinVar:

ClinVar aggregate classification (germline): Uncertain significance. Review status: criteria provided, multiple submitters, no conflicts (2 of 4 stars). 3 submissions from 3 submitters: Uncertain significance (3). Last evaluated 2024-09-23.

Conditions:
Hereditary cancer-predisposing syndrome. Also called: Tumor predisposition; Hereditary neoplastic syndrome; Hereditary Cancer Syndrome; Neoplastic Syndromes, Hereditary. Identifiers: Orphanet 140162, MedGen C0027672, MeSH D009386, MONDO:0015356.
Familial cancer of breast. Also called: hereditary breast carcinoma; Hereditary breast cancer; BREAST CANCER, FAMILIAL. Identifiers: Orphanet 227535, MedGen C0346153, MONDO:0016419, OMIM 114480. Disease mechanism: loss of function.

Allele frequency attached by ClinVar (database versions not stated): gnomAD exomes below 0.00001 and 0.00001; ExAC 0.00001.
gnomAD v4.1: 2 of 1,590,388 alleles (0.00013%); highest among the groups gnomAD compares: South Asian, 0.0012%; no homozygotes.

Submissions (3):

Labcorp Genetics (formerly Invitae), Labcorp
Classification: Uncertain significance for Familial cancer of breast. Last evaluated: 2024-09-23. Review status: criteria provided, single submitter. Criteria: Invitae Variant Classification Sherloc (09022015). Collection method: clinical testing. Allele origin: germline.
Comment: This sequence change replaces glutamic acid, which is acidic and polar, with glycine, which is neutral and non-polar, at codon 225 of the BARD1 protein (p.Glu225Gly). This variant is present in population databases (rs769611057, gnomAD 0.004%). This variant has not been reported in the literature in individuals affected with BARD1-related conditions. ClinVar contains an entry for this variant (Variation ID: 1171388). An algorithm developed to predict the effect of missense changes on protein structure and function (PolyPhen-2) suggests that this variant is likely to be tolerated. In summary, the available evidence is currently insufficient to determine the role of this variant in disease. Therefore, it has been classified as a Variant of Uncertain Significance.

Ambry Genetics
Classification: Uncertain significance for Hereditary cancer-predisposing syndrome. Last evaluated: 2024-05-02. Review status: criteria provided, single submitter. Criteria: Ambry Variant Classification Scheme 2023. Collection method: clinical testing. Allele origin: germline.
Comment: The p.E225G variant (also known as c.674A>G), located in coding exon 4 of the BARD1 gene, results from an A to G substitution at nucleotide position 674. The glutamic acid at codon 225 is replaced by glycine, an amino acid with similar properties. This amino acid position is not well conserved in available vertebrate species. In addition, this alteration is predicted to be tolerated by in silico analysis. Based on the available evidence, the clinical significance of this variant remains unclear.

Color Diagnostics, LLC DBA Color Health
Classification: Uncertain significance for Hereditary cancer-predisposing syndrome. Last evaluated: 2020-07-27. Review status: criteria provided, single submitter. Criteria: ACMG Guidelines, 2015. Collection method: clinical testing. Allele origin: germline.
Comment: This missense variant replaces glutamic acid with glycine at codon 225 of the BARD1 protein. Computational prediction suggests that this variant may not impact protein structure and function (internally defined REVEL score threshold <= 0.5, PMID: 27666373). To our knowledge, functional studies have not been reported for this variant. This variant has not been reported in individuals affected with hereditary cancer in the literature. This variant has been identified in 2/227218 chromosomes in the general population by the Genome Aggregation Database (gnomAD). The available evidence is insufficient to determine the role of this variant in disease conclusively. Therefore, this variant is classified as a Variant of Uncertain Significance.

NM_000465.4(BARD1):c.674A>G (p.Glu225Gly)

Gene: BARD1 (BRCA1 associated RING domain 1; minus strand). Cytogenetic location: 2q35.
Variant type: single nucleotide variant.
Coding change: c.674A>G on transcript NM_000465.4 (MANE Select); coding-DNA position 674, A replaced by G.
Protein change: p.Glu225Gly; replaces glutamic acid 225 with glycine.
Molecular consequence: missense variant. On other transcripts: non-coding transcript variant (2), intron variant (3).
Genome position (GRCh38, 1-based): chr2:214,781,200, T>C on the plus strand (A>G on the coding strand, the complement: BARD1 is on the minus strand). VCF-style: chr2-214781200-T-C. GRCh37 (hg19) VCF-style: chr2-215645924-T-C.
Other names: c.674A>G (NM_000465.2); c.617A>G, p.Glu206Gly (NM_001282543.2); c.158+28212A>G (NM_001282548.2); c.215+15861A>G (NM_001282545.2); c.364+11097A>G (NM_001282549.2); short protein forms E206G, E225G.
Identifiers: ClinVar variation 1171388 (VCV001171388.5), dbSNP rs769611057, ClinGen allele CA2090398.